The following is an entry in ClinVar:

ClinVar aggregate classification (germline): Conflicting classifications of pathogenicity. Review status: criteria provided, conflicting classifications (1 of 4 stars). 44 submissions from 43 submitters: Pathogenic (29); Likely pathogenic (5); Uncertain significance (1). 9 of the submissions do not count toward it. Last evaluated 2026-08-24.

Conditions:
FIG4-related disorder. Also called: FIG4-related disorders; FIG4-related condition.
Yunis-Varon syndrome (YVS). Also called: Cleidocranial dysplasia, micrognathia, absent thumbs, & distal aphalangia. Identifiers: Orphanet 3472, MedGen C1857663, MONDO:0008995, OMIM 216340.
Charcot-Marie-Tooth disease type 4J (CMT4J). Also called: CHARCOT-MARIE-TOOTH DISEASE, AUTOSOMAL RECESSIVE, TYPE 4J; CHARCOT-MARIE-TOOTH DISEASE, DEMYELINATING, TYPE 4J; Charcot-Marie-Tooth Neuropathy Type 4J. Identifiers: Orphanet 139515, MedGen C1970011, MONDO:0012640, OMIM 611228.
Bilateral parasagittal parieto-occipital polymicrogyria. Also called: Polymicrogyria, bilateral temporooccipital. Identifiers: Orphanet 208441, MedGen C4013648, MONDO:0012986, OMIM 612691.
Fetal anomalies with a likely genetic cause.
Amyotrophic lateral sclerosis type 11 (ALS11). Identifiers: Orphanet 803, MedGen C2675491, MONDO:0012945, OMIM 612577.
Inborn genetic diseases. Identifiers: MedGen C0950123, MeSH D030342.
Charcot-Marie-Tooth disease type 4. Also called: Charcot-Marie-Tooth disease, type IV; Charcot-Marie-Tooth, Type 4. Identifiers: Orphanet 64749, MedGen C4082197, MONDO:0018995.
Amyotrophic lateral sclerosis (ALS). Also called: Charcot disease; Lou Gehrig disease. Identifiers: Orphanet 803, MedGen C0002736, MONDO:0004976, HP:0007354.

Allele frequency attached by ClinVar (database versions not stated): gnomAD exomes 0.00098 and 0.00159; ExAC 0.00099; 1000 Genomes Project 30x 0.00078; gnomAD 0.00117 and 0.00115; TOPMed 0.00123; 1000 Genomes Project 0.00080.
gnomAD v4.1: 2,470 of 1,607,902 alleles (0.15%); highest among the groups gnomAD compares: Non-Finnish European, 0.19%; 2 homozygotes.

Submissions 1 to 16 of 44:

Genetics Laboratory, Great Ormond Street Hospital NHS Foundation Trust, North Thames Genomic Laboratory Hub
Classification: Uncertain significance for Fetal anomalies with a likely genetic cause. Last evaluated: 2026-08-24. Review status: criteria provided, single submitter. Criteria: ACGS Best Practice Guidelines for Variant Classification in Rare Disease 2024 v1.2. Collection method: clinical testing. Allele origin: germline. Affected: yes.
Comment: PS4_moderate, PP3_supporting, PS3_strong, PP1_moderate

PreventionGenetics, part of Exact Sciences
Classification: Pathogenic for FIG4-related condition. Last evaluated: 2026-08-19. Review status: criteria provided, single submitter. Criteria: ACMG Guidelines, 2015. Collection method: clinical testing. Allele origin: germline.
Comment: The FIG4 c.122T>C variant is predicted to result in the amino acid substitution p.Ile41Thr. This variant has been reported in individuals with autosomal recessive Charcot-Marie-Tooth (CMT) disease type 4J (Chow et al. 2007. PubMed ID: 17572665; Cottenie et al. 2013. PubMed ID: 23489662; Menezes et al. 2014. PubMed ID: 24878229). This variant has also been reported in patients with ALS, though one study found that the frequency of the variant was actually higher in controls (ALS: 3 in 1126, 0.27%; controls: 5 in 613, 0.82%) (Morgan et al. 2017. PubMed ID: 28430856). Therefore, this variant's role in causing an ALS phenotype remains unclear. This variant has been found in 0.19% of non-Finnish Europeans (gnomAD). This variant has been classified as pathogenic by multiple independent submitters to the ClinVar database (Variation ID: 1721). Given the evidence, we interpret this variant as pathogenic for autosomal recessive FIG4-related disease.

CeGaT Center for Human Genetics Tuebingen
Classification: Pathogenic. Last evaluated: 2026-07-01. Review status: criteria provided, single submitter. Criteria: CeGaT Center For Human Genetics Tuebingen Variant Classification Criteria Version 2. Collection method: clinical testing. Allele origin: germline. Affected: yes. Observed: 22 variant alleles.
Comment: FIG4: PM3:Very Strong, PM2:Supporting, PP3, PS3:Supporting

Labcorp Genetics (formerly Invitae), Labcorp
Classification: Pathogenic for Charcot-Marie-Tooth disease type 4. Last evaluated: 2026-02-01. Review status: criteria provided, single submitter. Criteria: Invitae Variant Classification Sherloc (09022015). Collection method: clinical testing. Allele origin: germline.
Comment: This sequence change replaces isoleucine, which is neutral and non-polar, with threonine, which is neutral and polar, at codon 41 of the FIG4 protein (p.Ile41Thr). This variant is present in population databases (rs121908287, gnomAD 0.2%), and has an allele count higher than expected for a pathogenic variant. This missense change has been observed in individual(s) with Charcot-Marie-Tooth disease type 4 (PMID: 17572665, 18556664, 21705420, 23489662, 24878229; internal data). In at least one individual the data is consistent with being in trans (on the opposite chromosome) from a pathogenic variant. ClinVar contains an entry for this variant (Variation ID: 1721). An algorithm developed to predict the effect of missense changes on protein structure and function (PolyPhen-2) suggests that this variant is likely to be disruptive. Experimental studies have shown that this missense change affects FIG4 function (PMID: 17572665, 20630877, 21655088). For these reasons, this variant has been classified as Pathogenic.

First Genomix Gene Laboratory, Genetic Diagnostics Department
Classification: Pathogenic for Charcot-Marie-Tooth disease type 4J; Yunis-Varon syndrome; Bilateral parasagittal parieto-occipital polymicrogyria. Last evaluated: 2025-11-13. Review status: criteria provided, single submitter. Criteria: ACMG Guidelines, 2015. Collection method: clinical testing. Allele origin: germline. Inheritance: Autosomal recessive inheritance. Affected: no. Observed: 1 variant allele.

Mayo Clinic Laboratories, Mayo Clinic
Classification: Pathogenic. Last evaluated: 2025-09-02. Review status: criteria provided, single submitter. Criteria: ACMG Guidelines, 2015. Collection method: clinical testing. Allele origin: germline. Observed: 18 variant alleles.

Institute of Immunology and Genetics Kaiserslautern
Classification: Pathogenic for Charcot-Marie-Tooth disease type 4J; Yunis-Varon syndrome. Last evaluated: 2025-06-18. Review status: criteria provided, single submitter. Criteria: ACMG Guidelines, 2015. Collection method: clinical testing. Allele origin: germline. Affected: yes.
Comment: ACMG Criteria: PS3, PM2_P, PM3, PP1, PP3, PP5; Variant was found in heterozygous state.

Laboratory of Genetics, Children's Clinical University Hospital Latvia
Classification: Pathogenic. Last evaluated: 2025-02-16. Review status: criteria provided, single submitter. Criteria: ACMG Guidelines, 2015. Collection method: clinical testing. Allele origin: germline. Affected: yes.

Blueprint Genetics
Classification: Pathogenic for FIG4-related disorders. Last evaluated: 2024-11-19. Review status: criteria provided, single submitter. Criteria: ACMG Guidelines, 2015. Collection method: clinical testing. Allele origin: germline. Affected: yes. Observed: 5 variant alleles.

Athena Diagnostics
Classification: Pathogenic. Last evaluated: 2024-11-03. Review status: criteria provided, single submitter. Criteria: Athena Diagnostics Criteria. Collection method: clinical testing. Allele origin: unknown.
Comment: This variant is one of the most common variants associated with autosomal recessive Charcot-Marie-Tooth disease, type 4J (PMID 21705420); therefore, the frequency of this variant in the general population is consistent with pathogenicity. In multiple individuals with CMT, this variant has been seen with a single recessive pathogenic variant in the same gene. This variant appears to segregate with CMT in at least one family. Assessment of experimental evidence suggests this variant results in abnormal protein function. (PMID 21655088)

Revvity Omics, Revvity
Classification: Pathogenic. Last evaluated: 2024-10-16. Review status: criteria provided, single submitter. Criteria: ACMG Guidelines, 2015. Collection method: clinical testing. Allele origin: germline.

Greenwood Genetic Center Diagnostic Laboratories, Greenwood Genetic Center
Classification: Pathogenic for FIG4-related disorder. Last evaluated: 2024-06-20. Review status: criteria provided, single submitter. Criteria: ACMG Guidelines, 2015. Collection method: clinical testing. Allele origin: germline. Affected: yes.
Comment: PS3, PM3_Very Strong

Genomic Medicine Center of Excellence, King Faisal Specialist Hospital and Research Centre
Classification: Likely pathogenic for Charcot-Marie-Tooth disease type 4J. Last evaluated: 2024-03-29. Review status: criteria provided, single submitter. Criteria: ACMG Guidelines, 2015. Collection method: clinical testing. Allele origin: germline.

Daryl Scott Lab, Baylor College of Medicine
Classification: Pathogenic for FIG4-related disorder. Last evaluated: 2024-01-01. Review status: criteria provided, single submitter. Criteria: ACMG Guidelines, 2015. Collection method: clinical testing. Allele origin: paternal. Observed: 1 heterozygote.
Comment: PS3, PS4, PM3, PP3

Clinical Genetics Laboratory, Skane University Hospital Lund
Classification: Likely pathogenic. Last evaluated: 2023-12-27. Review status: criteria provided, single submitter. Criteria: ACMG Guidelines, 2015. Collection method: clinical testing. Allele origin: germline. Affected: yes.

Department of Pathology and Laboratory Medicine, Sinai Health System
Classification: Pathogenic for Yunis-Varon syndrome; Charcot-Marie-Tooth disease type 4J; Amyotrophic lateral sclerosis type 11; Bilateral parasagittal parieto-occipital polymicrogyria. Last evaluated: 2023-09-07. Review status: criteria provided, single submitter. Criteria: ACMG Guidelines, 2015. Collection method: research. Allele origin: germline.

NM_014845.6(FIG4):c.122T>C (p.Ile41Thr)

Gene: FIG4 (FIG4 phosphoinositide 5-phosphatase; plus strand). Cytogenetic location: 6q21.
Variant type: single nucleotide variant.
Coding change: c.122T>C on transcript NM_014845.6 (MANE Select); coding-DNA position 122, T replaced by C.
Protein change: p.Ile41Thr; replaces isoleucine 41 with threonine.
Molecular consequence: missense variant.
Genome position (GRCh38, 1-based): chr6:109,715,133, T>C. VCF-style: chr6-109715133-T-C. GRCh37 (hg19) VCF-style: chr6-110036336-T-C.
Other names: short protein forms I41T.
Identifiers: ClinVar variation 1721 (VCV000001721.117), dbSNP rs121908287, ClinGen allele CA233088.